The following is an entry in ClinVar:

NM_007118.4(TRIO):c.7777C>T (p.Arg2593Ter)

Gene: TRIO (trio Rho guanine nucleotide exchange factor; plus strand). Cytogenetic location: 5p15.2.
Variant type: single nucleotide variant.
Coding change: c.7777C>T on transcript NM_007118.4 (MANE Select); coding-DNA position 7777, C replaced by T.
Protein change: p.Arg2593Ter; replaces arginine 2593 with a stop codon.
Molecular consequence: nonsense. On other transcripts: non-coding transcript variant (1).
Genome position (GRCh38, 1-based): chr5:14,492,711, C>T. VCF-style: chr5-14492711-C-T. GRCh37 (hg19) VCF-style: chr5-14492820-C-T.
Other names: short protein forms R2593*.
Identifiers: ClinVar variation 3342725 (VCV003342725.1).

ClinVar aggregate classification (germline): Likely pathogenic (1 of 4 stars; one submission).

gnomAD v4.1: 4 of 1,613,920 alleles (0.00025%); highest among the groups gnomAD compares: Admixed American, 0.0017%; no homozygotes.

Submission:

GeneDx
Classification: Likely pathogenic. Last evaluated: 2024-03-22. Review status: criteria provided, single submitter. Criteria: GeneDx Variant Classification Process June 2021. Collection method: clinical testing. Allele origin: germline. Affected: yes.
Comment: Nonsense variant predicted to result in protein truncation or nonsense mediated decay in a gene for which loss of function is a known mechanism of disease; Has not been previously published in association with a TRIO-related disorder to our knowledge; This variant is associated with the following publications: (PMID: 36475376)